The following is an entry in ClinVar:

ClinVar aggregate classification (germline): Uncertain significance. Review status: criteria provided, multiple submitters, no conflicts (2 of 4 stars). 2 submissions from 2 submitters: Uncertain significance (2). Last evaluated 2025-08-28.

Conditions:
Hereditary cancer-predisposing syndrome. Also called: Tumor predisposition; Hereditary Cancer Syndrome; Hereditary neoplastic syndrome; Neoplastic Syndromes, Hereditary. Identifiers: Orphanet 140162, MedGen C0027672, MeSH D009386, MONDO:0015356.

Allele frequency attached by ClinVar (database versions not stated): TOPMed below 0.00001; gnomAD 0.00001.

Submissions (2):

Ambry Genetics
Classification: Uncertain significance for Hereditary cancer-predisposing syndrome. Last evaluated: 2025-08-28. Review status: criteria provided, single submitter. Criteria: Ambry Variant Classification Scheme 2023. Collection method: clinical testing. Allele origin: germline.
Comment: The p.M2011K variant (also known as c.6032T>A), located in coding exon 44 of the POLE gene, results from a T to A substitution at nucleotide position 6032. The methionine at codon 2011 is replaced by lysine, an amino acid with similar properties. This amino acid position is conserved. In addition, the in silico prediction for this alteration is inconclusive. Based on the available evidence, the clinical significance of this variant remains unclear.

Labcorp Genetics (formerly Invitae), Labcorp
Classification: Uncertain significance. Last evaluated: 2024-09-17. Review status: criteria provided, single submitter. Criteria: Invitae Variant Classification Sherloc (09022015). Collection method: clinical testing. Allele origin: germline.
Comment: This sequence change replaces methionine, which is neutral and non-polar, with lysine, which is basic and polar, at codon 2011 of the POLE protein (p.Met2011Lys). This variant is not present in population databases (gnomAD no frequency). This variant has not been reported in the literature in individuals affected with POLE-related conditions. ClinVar contains an entry for this variant (Variation ID: 1471035). Invitae Evidence Modeling of protein sequence and biophysical properties (such as structural, functional, and spatial information, amino acid conservation, physicochemical variation, residue mobility, and thermodynamic stability) indicates that this missense variant is not expected to disrupt POLE protein function with a negative predictive value of 80%. In summary, the available evidence is currently insufficient to determine the role of this variant in disease. Therefore, it has been classified as a Variant of Uncertain Significance.

NM_006231.4(POLE):c.6032T>A (p.Met2011Lys)

Gene: POLE (DNA polymerase epsilon, catalytic subunit; minus strand). Cytogenetic location: 12q24.33.
Variant type: single nucleotide variant.
Coding change: c.6032T>A on transcript NM_006231.4 (MANE Select); coding-DNA position 6032, T replaced by A.
Protein change: p.Met2011Lys; replaces methionine 2011 with lysine.
Molecular consequence: missense variant.
Genome position (GRCh38, 1-based): chr12:132,632,768, A>T on the plus strand (T>A on the coding strand, the complement: POLE is on the minus strand). VCF-style: chr12-132632768-A-T. GRCh37 (hg19) VCF-style: chr12-133209354-A-T.
Other names: short protein forms M2011K.
Identifiers: ClinVar variation 1471035 (VCV001471035.9), dbSNP rs2041961084, ClinGen allele CA387370832.